The following is an entry in ClinVar:

ClinVar aggregate classification (germline): Pathogenic (1 of 4 stars; one submission).

Submission:

Athena Diagnostics
Classification: Pathogenic. Last evaluated: 2019-08-07. Review status: criteria provided, single submitter. Criteria: Athena Diagnostics Criteria. Collection method: clinical testing. Allele origin: germline.
Comment: The variant creates a premature nonsense codon, and is therefore predicted to result in the loss of a functional protein. Found in at least one symptomatic patient, and not found in general population data.

NM_017780.4(CHD7):c.2740G>T (p.Glu914Ter)

Gene: CHD7 (chromodomain helicase DNA binding protein 7; plus strand). Cytogenetic location: 8q12.2.
Variant type: single nucleotide variant.
Coding change: c.2740G>T on transcript NM_017780.4 (MANE Select); coding-DNA position 2740, G replaced by T.
Protein change: p.Glu914Ter; replaces glutamic acid 914 with a stop codon.
Molecular consequence: nonsense. On other transcripts: intron variant (1).
Genome position (GRCh38, 1-based): chr8:60,821,832, G>T. VCF-style: chr8-60821832-G-T. GRCh37 (hg19) VCF-style: chr8-61734391-G-T.
Other names: c.1717-40397G>T (NM_001316690.1); short protein forms E914*.
Identifiers: ClinVar variation 804691 (VCV000804691.1), dbSNP rs1586389368, ClinGen allele CA371307687.